The following is an entry in ClinVar:

NM_001680.5(FXYD2):c.114C>T (p.Phe38=)

Genes: FXYD2 (FXYD domain containing ion transport regulator 2; minus strand), FXYD6-FXYD2 (FXYD6-FXYD2 readthrough; minus strand). Cytogenetic location: 11q23.3.
Variant type: single nucleotide variant.
Coding change: c.114C>T on transcript NM_001680.5 (MANE Select); coding-DNA position 114, C replaced by T.
Protein change: p.Phe38=; no amino-acid change (phenylalanine 38 retained).
Molecular consequence: synonymous variant. On other transcripts: intron variant (1).
Genome position (GRCh38, 1-based): chr11:117,822,431, G>A on the plus strand (C>T on the coding strand, the complement: FXYD2 is on the minus strand). VCF-style: chr11-117822431-G-A. GRCh37 (hg19) VCF-style: chr11-117693146-G-A.
Other names: c.348C>T, p.Phe116= (NM_001204268.3); c.108C>T, p.Phe36= (NM_021603.4); c.311+248C>T (NM_001243598.4).
Identifiers: ClinVar variation 789041 (VCV000789041.7), dbSNP rs151172706, ClinGen allele CA6297813.

ClinVar aggregate classification (germline): Likely benign. Review status: criteria provided, multiple submitters, no conflicts (2 of 4 stars). 3 submissions from 3 submitters: Likely benign (3). Last evaluated 2025-07-13.

Conditions:
Renal hypomagnesemia 2 (HOMG2). Also called: MAGNESIUM LOSS, ISOLATED RENAL. Identifiers: Orphanet 34528, MedGen C1835171, MONDO:0007937, OMIM 154020.
FXYD2-related disorder. Also called: FXYD2-related condition.

Allele frequency attached by ClinVar (database versions not stated): gnomAD exomes 0.00003 and 0.00005; ExAC 0.00004; gnomAD 0.00009; TOPMed 0.00010; ESP Exome Variant Server 0.00015; 1000 Genomes Project 0.00020; 1000 Genomes Project 30x 0.00031.
gnomAD v4.1: 33 of 1,562,442 alleles (0.0021%); highest among the groups gnomAD compares: African/African-American, 0.027%; no homozygotes.

Submissions (3):

Labcorp Genetics (formerly Invitae), Labcorp
Classification: Likely benign. Last evaluated: 2025-07-13. Review status: criteria provided, single submitter. Criteria: Invitae Variant Classification Sherloc (09022015). Collection method: clinical testing. Allele origin: germline.

PreventionGenetics, part of Exact Sciences
Classification: Likely benign for FXYD2-related condition. Last evaluated: 2025-06-18. Review status: criteria provided, single submitter. Criteria: ACMG Guidelines, 2015. Collection method: clinical testing. Allele origin: germline.
Comment: This variant is classified as likely benign based on ACMG/AMP sequence variant interpretation guidelines (Richards et al. 2015 PMID: 25741868, with internal and published modifications).

Fulgent Genetics
Classification: Likely benign for Renal hypomagnesemia 2. Last evaluated: 2021-11-16. Review status: criteria provided, single submitter. Criteria: ACMG Guidelines, 2015. Collection method: clinical testing. Allele origin: unknown.